The following is an entry in ClinVar:

NM_005555.4(KRT6B):c.683T>C (p.Ile228Thr)

Gene: KRT6B (keratin 6B; minus strand). Cytogenetic location: 12q13.13.
Variant type: single nucleotide variant.
Coding change: c.683T>C on transcript NM_005555.4 (MANE Select); coding-DNA position 683, T replaced by C.
Protein change: p.Ile228Thr; replaces isoleucine 228 with threonine.
Molecular consequence: missense variant.
Genome position (GRCh38, 1-based): chr12:52,450,478, A>G on the plus strand (T>C on the coding strand, the complement: KRT6B is on the minus strand). VCF-style: chr12-52450478-A-G. GRCh37 (hg19) VCF-style: chr12-52844262-A-G.
Other names: short protein forms I228T.
Identifiers: ClinVar variation 4799463 (VCV004799463.1).
Genomic context (GRCh38, chr12:52,450,478, plus strand): 5'-TCCTCCACCAGGTCCTGCATGTTTCTCAGCTCCGAGTCCAGACGACCCCGTTCCCCCACG[A>G]TGTTGTCCAGCTGCCTCCTGAGGTTGTTGATGTACTGCTCGAACAACGGCTCCAGGTTCT-3'
Protein context (NP_005546.2, residues 218-238): INNLRRQLDN[Ile228Thr]VGERGRLDSE

ClinVar aggregate classification (germline): Uncertain significance (1 of 4 stars; one submission).

gnomAD v4.1: 4 of 1,614,100 alleles (0.00025%); highest among the groups gnomAD compares: Admixed American, 0.0067%; no homozygotes.

Submission:

Labcorp Genetics (formerly Invitae), Labcorp
Classification: Uncertain significance. Last evaluated: 2025-02-25. Review status: criteria provided, single submitter. Criteria: Invitae Variant Classification Sherloc (09022015). Collection method: clinical testing. Allele origin: germline.
Comment: This sequence change replaces isoleucine, which is neutral and non-polar, with threonine, which is neutral and polar, at codon 228 of the KRT6B protein (p.Ile228Thr). This variant is present in population databases (no rsID available, gnomAD 0.01%). This variant has not been reported in the literature in individuals affected with KRT6B-related conditions. Invitae Evidence Modeling of protein sequence and biophysical properties (such as structural, functional, and spatial information, amino acid conservation, physicochemical variation, residue mobility, and thermodynamic stability) indicates that this missense variant is not expected to disrupt KRT6B protein function with a negative predictive value of 80%. In summary, the available evidence is currently insufficient to determine the role of this variant in disease. Therefore, it has been classified as a Variant of Uncertain Significance.